The following is an entry in ClinVar:

ClinVar aggregate classification (germline): Uncertain significance (1 of 4 stars; one submission).

Submission:

Greenwood Genetic Center Diagnostic Laboratories, Greenwood Genetic Center
Classification: Uncertain significance. Last evaluated: 2025-11-19. Review status: criteria provided, single submitter. Criteria: ACMG Guidelines, 2015. Collection method: clinical testing. Allele origin: germline. Affected: yes.
Comment: PM2

NM_001286.5(CLCN6):c.2603C>T (p.Thr868Ile)

Gene: CLCN6 (Cl-/H+ antiporter 6; plus strand). Cytogenetic location: 1p36.22.
Variant type: single nucleotide variant.
Coding change: c.2603C>T on transcript NM_001286.5 (MANE Select); coding-DNA position 2603, C replaced by T.
Protein change: p.Thr868Ile; replaces threonine 868 with isoleucine.
Molecular consequence: missense variant. On other transcripts: non-coding transcript variant (1).
Genome position (GRCh38, 1-based): chr1:11,840,216, C>T. VCF-style: chr1-11840216-C-T. GRCh37 (hg19) VCF-style: chr1-11900273-C-T.
Other names: c.2537C>T, p.Thr846Ile (NM_001256959.2); short protein forms T846I, T868I.
Identifiers: ClinVar variation 4845476 (VCV004845476.1).